The following is an entry in ClinVar:

NM_032620.4(GTPBP3):c.865G>T (p.Glu289Ter)

Gene: GTPBP3 (GTP binding protein 3, mitochondrial; plus strand). Cytogenetic location: 19p13.11.
Variant type: single nucleotide variant.
Coding change: c.865G>T on transcript NM_032620.4 (MANE Select); coding-DNA position 865, G replaced by T.
Protein change: p.Glu289Ter; replaces glutamic acid 289 with a stop codon.
Molecular consequence: nonsense.
Genome position (GRCh38, 1-based): chr19:17,339,490, G>T. VCF-style: chr19-17339490-G-T. GRCh37 (hg19) VCF-style: chr19-17450299-G-T.
Other names: c.931G>T, p.Glu311Ter (NM_001195422.1); c.961G>T, p.Glu321Ter (NM_133644.4); c.865G>T, p.Glu289Ter (NM_001128855.3); short protein forms E311*, E289*, E321*.
Identifiers: ClinVar variation 642459 (VCV000642459.9), dbSNP rs1599560256, ClinGen allele CA404737446.

ClinVar aggregate classification (germline): Pathogenic/Likely pathogenic. Review status: criteria provided, multiple submitters, no conflicts (2 of 4 stars). 2 submissions from 2 submitters: Pathogenic (1); Likely pathogenic (1). Last evaluated 2020-03-19.

Conditions:
Combined oxidative phosphorylation defect type 23. Also called: Combined oxidative phosphorylation deficiency 23. Identifiers: Orphanet 444013, MedGen C5567743, MONDO:0014525, OMIM 616198.

Submissions (2):

New York Genome Center
Classification: Likely pathogenic for Combined oxidative phosphorylation defect type 23. Last evaluated: 2020-03-19. Review status: criteria provided, single submitter. Criteria: NYGC Assertion Criteria 2020. Collection method: clinical testing. Allele origin: germline. Observed: 1 heterozygote. Study: CSER-NYCKidSeq.

Labcorp Genetics (formerly Invitae), Labcorp
Classification: Pathogenic. Last evaluated: 2018-11-08. Review status: criteria provided, single submitter. Criteria: Invitae Variant Classification Sherloc (09022015). Collection method: clinical testing. Allele origin: germline.
Comment: For these reasons, this variant has been classified as Pathogenic. Loss-of-function variants in GTPBP3 are known to be pathogenic (PMID: 25434004). This variant has not been reported in the literature in individuals with GTPBP3-related disease. This variant is not present in population databases (ExAC no frequency). This sequence change creates a premature translational stop signal (p.Glu321*) in the GTPBP3 gene. It is expected to result in an absent or disrupted protein product.

Literature cited by the submitters: PubMed 25434004 (cited by Labcorp Genetics (formerly Invitae), Labcorp).